The following is an entry in ClinVar:

NM_018245.3(OGDHL):c.29G>T (p.Arg10Leu)

Gene: OGDHL (oxoglutarate dehydrogenase L; minus strand). Cytogenetic location: 10q11.23.
Variant type: single nucleotide variant.
Coding change: c.29G>T on transcript NM_018245.3 (MANE Select); coding-DNA position 29, G replaced by T.
Protein change: p.Arg10Leu; replaces arginine 10 with leucine.
Molecular consequence: missense variant. On other transcripts: 5 prime UTR variant (3), non-coding transcript variant (4), intron variant (2).
Genome position (GRCh38, 1-based): chr10:49,758,564, C>A on the plus strand (G>T on the coding strand, the complement: OGDHL is on the minus strand). VCF-style: chr10-49758564-C-A. GRCh37 (hg19) VCF-style: chr10-50966610-C-A.
Other names: NC_000010.10:g.50966610C>A; c.29G>T, p.Arg10Leu (NM_001143996.2, NM_001347819.1, NM_001347820.1 and 2 more transcripts); c.-910G>T (NM_001347821.2, NM_001347825.2); c.-898G>T (NM_001347826.1); c.-253+3769G>T (NM_001347822.1); c.-253+3675G>T (NM_001143997.2); short protein forms R10L.
Identifiers: ClinVar variation 2212227 (VCV002212227.4), dbSNP rs144796503, ClinGen allele CA5499073.

ClinVar aggregate classification (germline): Conflicting classifications of pathogenicity. Review status: criteria provided, conflicting classifications (1 of 4 stars). 2 submissions from 2 submitters: Uncertain significance (1); Likely benign (1). Last evaluated 2026-02-19.

Conditions:
OGDHL-related disorder. Also called: OGDHL-related condition.
Inborn genetic diseases. Identifiers: MedGen C0950123, MeSH D030342.

Allele frequency attached by ClinVar (database versions not stated): 1000 Genomes Project 0.00060; 1000 Genomes Project 30x 0.00062; ESP Exome Variant Server 0.00092; ExAC 0.00095; gnomAD 0.00126.
gnomAD v4.1: 2,632 of 1,613,902 alleles (0.16%); highest among the groups gnomAD compares: Non-Finnish European, 0.2%; 3 homozygotes.

Submissions (4):

PreventionGenetics, part of Exact Sciences
Classification: Likely benign for OGDHL-related condition. Last evaluated: 2026-02-19. Review status: criteria provided, single submitter. Criteria: ACMG Guidelines, 2015. Collection method: clinical testing. Allele origin: germline.
Comment: This variant is classified as likely benign based on ACMG/AMP sequence variant interpretation guidelines (Richards et al. 2015 PMID: 25741868, with internal and published modifications).

Ambry Genetics
Classification: Uncertain significance for Inborn genetic diseases. Last evaluated: 2021-10-18. Review status: criteria provided, single submitter. Criteria: Ambry Variant Classification Scheme 2023. Collection method: clinical testing. Allele origin: germline.

Dr. Peter K. Rogan Lab, Western University
No classification provided (evidence only). Condition: Clear cell carcinoma of kidney. Review status: no classification provided. Collection method: in vitro. Allele origin: not applicable. Functional consequence: retained intron. Not counted in ClinVar's aggregate classification.

Dr. Peter K. Rogan Lab, Western University
No classification provided (evidence only). Condition: Adrenocortical carcinoma, hereditary. Review status: no classification provided. Collection method: in vitro. Allele origin: not applicable. Functional consequence: retained intron. Not counted in ClinVar's aggregate classification.